The following is an entry in ClinVar:

NM_000159.4(GCDH):c.196C>T (p.Leu66Phe)

Genes: GCDH (glutaryl-CoA dehydrogenase; plus strand), LOC117125594 (CRISPRi-FlowFISH-validated KLF1 regulatory element; plus strand). Cytogenetic location: 19p13.13.
Variant type: single nucleotide variant.
Coding change: c.196C>T on transcript NM_000159.4 (MANE Select); coding-DNA position 196, C replaced by T.
Protein change: p.Leu66Phe; replaces leucine 66 with phenylalanine.
Molecular consequence: missense variant. On other transcripts: non-coding transcript variant (2).
Genome position (GRCh38, 1-based): chr19:12,891,899, C>T. VCF-style: chr19-12891899-C-T. GRCh37 (hg19) VCF-style: chr19-13002713-C-T.
Other names: c.196C>T, p.Leu66Phe (NM_013976.5); short protein forms L66F.
Identifiers: ClinVar variation 1388495 (VCV001388495.5), dbSNP rs762640205, ClinGen allele CA9234273.

ClinVar aggregate classification (germline): Uncertain significance (1 of 4 stars; one submission).

Conditions:
Glutaric aciduria, type 1. Also called: Glutaryl-CoA dehydrogenase deficiency; Glutaric Acidemia Type 1; GA I; Glutaricacidemia Type 1; Glutaric acidemia type I; Glutaricaciduria, type I. Identifiers: Orphanet 25, MedGen C0268595, MONDO:0009281, OMIM 231670.

Allele frequency attached by ClinVar (database versions not stated): gnomAD exomes below 0.00001; ExAC 0.00001; gnomAD 0.00001; TOPMed 0.00001.
gnomAD v4.1: 7 of 1,614,054 alleles (0.00043%); highest among the groups gnomAD compares: East Asian, 0.0089%; no homozygotes.

Submission:

Labcorp Genetics (formerly Invitae), Labcorp
Classification: Uncertain significance for Glutaric aciduria, type 1. Last evaluated: 2021-08-30. Review status: criteria provided, single submitter. Criteria: Invitae Variant Classification Sherloc (09022015). Collection method: clinical testing. Allele origin: germline.
Comment: This sequence change replaces leucine with phenylalanine at codon 66 of the GCDH protein (p.Leu66Phe). The leucine residue is moderately conserved and there is a small physicochemical difference between leucine and phenylalanine. This variant is present in population databases (rs762640205, ExAC 0.01%). This variant has not been reported in the literature in individuals affected with GCDH-related conditions. Advanced modeling of protein sequence and biophysical properties (such as structural, functional, and spatial information, amino acid conservation, physicochemical variation, residue mobility, and thermodynamic stability) performed at Invitae indicates that this missense variant is expected to disrupt GCDH protein function. In summary, the available evidence is currently insufficient to determine the role of this variant in disease. Therefore, it has been classified as a Variant of Uncertain Significance.